The following is an entry in ClinVar:

ClinVar aggregate classification (germline): Benign. Review status: criteria provided, multiple submitters, no conflicts (2 of 4 stars). 5 submissions from 5 submitters: Benign (4). 1 of the submissions does not count toward it. Last evaluated 2024-01-24.

Conditions:
PGM1-congenital disorder of glycosylation. Also called: Congenital disorder of glycosylation type 1t; PHOSPHOGLUCOMUTASE 1 DEFICIENCY; PGM1 DEFICIENCY; GLYCOGEN STORAGE DISEASE XIV; GSD XIV; CDG It. Identifiers: Orphanet 319646, MedGen C2752015, MONDO:0013968, OMIM 614921.

Allele frequency attached by ClinVar (database versions not stated): ExAC 0.26436; gnomAD exomes 0.26813; ESP Exome Variant Server 0.27649; gnomAD 0.29435 and 0.29721; TOPMed 0.29944; 1000 Genomes Project 0.32009; 1000 Genomes Project 30x 0.32089.
gnomAD v4.1: 394,344 of 1,587,978 alleles (25%); highest among the groups gnomAD compares: African/African-American, 40%; 51,047 homozygotes.

Submissions (5):

Unidad de Genómica Garrahan, Hospital de Pediatría Garrahan
Classification: Benign. Last evaluated: 2024-01-24. Review status: criteria provided, single submitter. Criteria: ACMG Guidelines, 2015. Collection method: clinical testing. Allele origin: germline. Affected: no. Observed: 56 variant alleles.
Comment: This variant is classified as Benign based on local population frequency. This variant was detected in 59% of patients studied by a panel of primary immunodeficiencies. Number of patients: 56. Only high quality variants are reported.

Genome-Nilou Lab
Classification: Benign for PGM1-congenital disorder of glycosylation. Last evaluated: 2021-09-05. Review status: criteria provided, single submitter. Criteria: ACMG Guidelines, 2015. Collection method: clinical testing. Allele origin: germline. Affected: no.

GeneDx
Classification: Benign. Last evaluated: 2018-06-14. Review status: criteria provided, single submitter. Criteria: GeneDx Variant Classification (06012015). Collection method: clinical testing. Allele origin: germline. Affected: yes.
Comment: This variant is considered likely benign or benign based on one or more of the following criteria: it is a conservative change, it occurs at a poorly conserved position in the protein, it is predicted to be benign by multiple in silico algorithms, and/or has population frequency not consistent with disease.

Breakthrough Genomics
Classification: Benign. Review status: criteria provided, single submitter. Criteria: ACMG Guidelines, 2015. Collection method: not provided. Allele origin: germline. Inheritance: Autosomal recessive inheritance. Affected: yes.

Mayo Clinic Laboratories, Mayo Clinic
Classification: Benign. Last evaluated: 2015-10-23. Review status: no assertion criteria provided. Collection method: clinical testing. Allele origin: unknown. Not counted in ClinVar's aggregate classification.

NM_002633.3(PGM1):c.1600-23G>T

Gene: PGM1 (phosphoglucomutase 1; plus strand). Cytogenetic location: 1p31.3.
Variant type: single nucleotide variant.
Coding change: c.1600-23G>T on transcript NM_002633.3 (MANE Select); 23 bases into the intron before coding-DNA position 1600, G replaced by T.
Molecular consequence: intron variant.
Genome position (GRCh38, 1-based): chr1:63,659,563, G>T. VCF-style: chr1-63659563-G-T. GRCh37 (hg19) VCF-style: chr1-64125234-G-T.
Other names: c.1009-23G>T (NM_001172819.2); c.1654-23G>T (NM_001172818.1).
Identifiers: ClinVar variation 558804 (VCV000558804.11), dbSNP rs11208265, ClinGen allele CA889925.
Genomic context (GRCh38, chr1:63,659,563, plus strand): 5'-AGGCAGTCAGACGTACGGGTTTGGAGCTAAGCATCTGTGTTTAGAGGAAGTGATGGAAAA[G>T]CTTCTCTCTATGTCTTCCTCAGGTCATGTTGGCCCCCCTTATTTCCATTGCTCTGAAAGT-3'